The following is an entry in ClinVar:

NM_177924.5(ASAH1):c.1085C>T (p.Pro362Leu)

Gene: ASAH1 (N-acylsphingosine amidohydrolase 1; minus strand). Cytogenetic location: 8p22.
Variant type: single nucleotide variant.
Coding change: c.1085C>T on transcript NM_177924.5 (MANE Select); coding-DNA position 1085, C replaced by T.
Protein change: p.Pro362Leu; replaces proline 362 with leucine.
Molecular consequence: missense variant.
Genome position (GRCh38, 1-based): chr8:18,058,848, G>A on the plus strand (C>T on the coding strand, the complement: ASAH1 is on the minus strand). VCF-style: chr8-18058848-G-A. GRCh37 (hg19) VCF-style: chr8-17916357-G-A.
Other names: c.1067C>T, p.Pro356Leu (NM_001127505.3); c.890C>T, p.Pro297Leu (NM_001363743.2); c.1133C>T, p.Pro378Leu (NM_004315.6); short protein forms P297L, P362L, P378L, P356L.
Identifiers: ClinVar variation 1373321 (VCV001373321.6), dbSNP rs1588973237, ClinGen allele CA370426986.
Genomic context (GRCh38, chr8:18,058,848, plus strand): 5'-CAAATTCTTTCCCTAAAAGGCAAATATACATATAACATTTAAAATACCTTGTTGAGGACA[G>A]GTTTTGTTGACAGGACATCATACATGGTTTCAAATGAGATATTCTAAAACACAAGAAAAT-3'
Protein context (NP_808592.2, residues 352-372): ETMYDVLSTK[Pro362Leu]VLNKLTVYTT

ClinVar aggregate classification (germline): Uncertain significance (1 of 4 stars; one submission).

Submission:

Labcorp Genetics (formerly Invitae), Labcorp
Classification: Uncertain significance. Last evaluated: 2021-08-07. Review status: criteria provided, single submitter. Criteria: Invitae Variant Classification Sherloc (09022015). Collection method: clinical testing. Allele origin: germline.
Comment: In summary, the available evidence is currently insufficient to determine the role of this variant in disease. Therefore, it has been classified as a Variant of Uncertain Significance. This variant disrupts the p.Pro362 amino acid residue in ASAH1. Other variant(s) that disrupt this residue have been determined to be pathogenic (PMID: 10610716, 23681708, 24164096). This suggests that this residue is clinically significant, and that variants that disrupt this residue are likely to be disease-causing. Algorithms developed to predict the effect of missense changes on protein structure and function (SIFT, PolyPhen-2, Align-GVGD) all suggest that this variant is likely to be disruptive. This variant has not been reported in the literature in individuals affected with ASAH1-related conditions. This variant is not present in population databases (ExAC no frequency). This sequence change replaces proline with leucine at codon 362 of the ASAH1 protein (p.Pro362Leu). The proline residue is highly conserved and there is a moderate physicochemical difference between proline and leucine.

Literature cited by the submitters: PubMed 10610716; PubMed 23681708; PubMed 24164096.